The following is an entry in ClinVar:

ClinVar aggregate classification (germline): Pathogenic (1 of 4 stars; one submission).

Conditions:
Brody myopathy. Also called: BRODY DISEASE. Identifiers: Orphanet 53347, MedGen C1832918, MONDO:0010977, OMIM 601003.

Allele frequency attached by ClinVar (database versions not stated): gnomAD exomes below 0.00001; TOPMed 0.00002; gnomAD 0.00003.
gnomAD v4.1: 6 of 1,614,012 alleles (0.00037%); highest among the groups gnomAD compares: African/African-American, 0.0053%; no homozygotes.

Submission:

Labcorp Genetics (formerly Invitae), Labcorp
Classification: Pathogenic for Brody myopathy. Last evaluated: 2018-10-11. Review status: criteria provided, single submitter. Criteria: Invitae Variant Classification Sherloc (09022015). Collection method: clinical testing. Allele origin: germline.
Comment: This sequence change creates a premature translational stop signal (p.Gln791*) in the ATP2A1 gene. It is expected to result in an absent or disrupted protein product. For these reasons, this variant has been classified as Pathogenic. Loss-of-function variants in ATP2A1 are known to be pathogenic (PMID: 8841193, 10914677, 23911890). This variant has not been reported in the literature in individuals with ATP2A1-related disease. This variant is not present in population databases (ExAC no frequency).

Literature cited by the submitters: PubMed 8841193; PubMed 10914677; PubMed 23911890.

NM_004320.6(ATP2A1):c.2371C>T (p.Gln791Ter)

Gene: ATP2A1 (ATPase sarcoplasmic/endoplasmic reticulum Ca2+ transporting 1; plus strand). Cytogenetic location: 16p11.2.
Variant type: single nucleotide variant.
Coding change: c.2371C>T on transcript NM_004320.6 (MANE Select); coding-DNA position 2371, C replaced by T.
Protein change: p.Gln791Ter; replaces glutamine 791 with a stop codon.
Molecular consequence: nonsense.
Genome position (GRCh38, 1-based): chr16:28,902,233, C>T. VCF-style: chr16-28902233-C-T. GRCh37 (hg19) VCF-style: chr16-28913554-C-T.
Other names: c.1996C>T, p.Gln666Ter (NM_001286075.2); c.2371C>T, p.Gln791Ter (NM_173201.5); short protein forms Q791*, Q666*.
Identifiers: ClinVar variation 644960 (VCV000644960.7), dbSNP rs895911431, ClinGen allele CA279244070.